The following is an entry in ClinVar:

NM_001005361.3(DNM2):c.579C>G (p.Val193=)

Gene: DNM2 (dynamin 2; plus strand). Cytogenetic location: 19p13.2.
Variant type: single nucleotide variant.
Coding change: c.579C>G on transcript NM_001005361.3 (MANE Select); coding-DNA position 579, C replaced by G.
Protein change: p.Val193=; no amino-acid change (valine 193 retained).
Molecular consequence: synonymous variant.
Genome position (GRCh38, 1-based): chr19:10,775,896, C>G. VCF-style: chr19-10775896-C-G. GRCh37 (hg19) VCF-style: chr19-10886572-C-G.
Other names: c.579C>G, p.Val193= (NM_001005360.3, NM_001005362.3, NM_001190716.2 and 1 more transcripts).
Identifiers: ClinVar variation 2143096 (VCV002143096.6), dbSNP rs201924777, ClinGen allele CA505493605.

ClinVar aggregate classification (germline): Likely benign. Review status: criteria provided, single submitter (1 of 4 stars). 2 submissions from 2 submitters: Likely benign (1). 1 of the submissions does not count toward it. Last evaluated 2023-03-14.

Conditions:
DNM2-related disorder. Also called: DNM2-related condition.
Charcot-Marie-Tooth disease dominant intermediate B (CMTDIB). Also called: CHARCOT-MARIE-TOOTH NEUROPATHY, DOMINANT INTERMEDIATE B; Charcot-Marie-Tooth disease dominant intermediate 1; CMT DI1; Charcot-Marie-Tooth disease dominant intermediate I. Identifiers: Orphanet 100044, Orphanet 228179, MedGen C1847902, MONDO:0011674, OMIM 606482.

gnomAD v4.1: 2 of 1,611,964 alleles (0.00012%); highest among the groups gnomAD compares: African/African-American, 0.0027%; no homozygotes.

Submissions (2):

Labcorp Genetics (formerly Invitae), Labcorp
Classification: Likely benign for Charcot-Marie-Tooth disease dominant intermediate B. Last evaluated: 2023-03-14. Review status: criteria provided, single submitter. Criteria: Invitae Variant Classification Sherloc (09022015). Collection method: clinical testing. Allele origin: germline.

PreventionGenetics, part of Exact Sciences
Classification: Likely benign for DNM2-related condition. Last evaluated: 2019-08-13. Review status: no assertion criteria provided. Collection method: clinical testing. Allele origin: germline. Not counted in ClinVar's aggregate classification.
Comment: This variant is classified as likely benign based on ACMG/AMP sequence variant interpretation guidelines (Richards et al. 2015 PMID: 25741868, with internal and published modifications).